The following is an entry in ClinVar:

ClinVar aggregate classification (germline): Uncertain significance. Review status: criteria provided, multiple submitters, no conflicts (2 of 4 stars). 2 submissions from 2 submitters: Uncertain significance (2). Last evaluated 2024-12-23.

Conditions:
Van Maldergem syndrome 1 (VMLDS1). Also called: Van Maldergem syndrome 1 (VMLDS1). Identifiers: Orphanet 314679, MedGen C4551950, MONDO:0011070, OMIM 601390.
Mitral valve prolapse, myxomatous 2. Also called: MMVP2; Mitral valve prolapse 2. Identifiers: MedGen C1843003, MONDO:0011915, OMIM 607829.
Inborn genetic diseases. Identifiers: MedGen C0950123, MeSH D030342.

Allele frequency attached by ClinVar (database versions not stated): ExAC 0.00003; gnomAD 0.00004; gnomAD exomes 0.00005; TOPMed 0.00006; ESP Exome Variant Server 0.00008.
gnomAD v4.1: 77 of 1,613,914 alleles (0.0048%); highest among the groups gnomAD compares: Admixed American, 0.012%; no homozygotes.

Submissions (2):

Labcorp Genetics (formerly Invitae), Labcorp
Classification: Uncertain significance. Last evaluated: 2024-12-23. Review status: criteria provided, single submitter. Criteria: Invitae Variant Classification Sherloc (09022015). Collection method: clinical testing. Allele origin: germline.
Comment: This sequence change replaces valine, which is neutral and non-polar, with methionine, which is neutral and non-polar, at codon 566 of the DCHS1 protein (p.Val566Met). This variant is present in population databases (rs201690687, gnomAD 0.01%). This variant has not been reported in the literature in individuals affected with DCHS1-related conditions. ClinVar contains an entry for this variant (Variation ID: 2144796). Invitae Evidence Modeling of protein sequence and biophysical properties (such as structural, functional, and spatial information, amino acid conservation, physicochemical variation, residue mobility, and thermodynamic stability) has been performed for this missense variant. However, the output from this modeling did not meet the statistical confidence thresholds required to predict the impact of this variant on DCHS1 protein function. In summary, the available evidence is currently insufficient to determine the role of this variant in disease. Therefore, it has been classified as a Variant of Uncertain Significance.

Ambry Genetics
Classification: Uncertain significance for Inborn genetic diseases. Last evaluated: 2024-03-01. Review status: criteria provided, single submitter. Criteria: Ambry Variant Classification Scheme 2023. Collection method: clinical testing. Allele origin: germline.

NM_003737.4(DCHS1):c.1696G>A (p.Val566Met)

Gene: DCHS1 (dachsous cadherin-related 1; minus strand). Cytogenetic location: 11p15.4.
Variant type: single nucleotide variant.
Coding change: c.1696G>A on transcript NM_003737.4 (MANE Select); coding-DNA position 1696, G replaced by A.
Protein change: p.Val566Met; replaces valine 566 with methionine.
Molecular consequence: missense variant.
Genome position (GRCh38, 1-based): chr11:6,639,918, C>T on the plus strand (G>A on the coding strand, the complement: DCHS1 is on the minus strand). VCF-style: chr11-6639918-C-T. GRCh37 (hg19) VCF-style: chr11-6661149-C-T.
Other names: c.1696G>A (NM_003737.3, NM_003737.2); short protein forms V566M.
Identifiers: ClinVar variation 2144796 (VCV002144796.5), dbSNP rs201690687, ClinGen allele CA5860911.